The following is an entry in ClinVar:

ClinVar aggregate classification (germline): Uncertain significance. Review status: criteria provided, multiple submitters, no conflicts (2 of 4 stars). 3 submissions from 3 submitters: Uncertain significance (3). Last evaluated 2024-08-13.

Conditions:
Inborn genetic diseases. Identifiers: MedGen C0950123, MeSH D030342.
Seckel syndrome 1 (SCKL1). Also called: MICROCEPHALIC PRIMORDIAL DWARFISM I. Identifiers: Orphanet 808, MedGen C4551474, MONDO:0008869, OMIM 210600.
Familial cutaneous telangiectasia and oropharyngeal predisposition cancer syndrome. Identifiers: Orphanet 313846, MedGen C3281203, MONDO:0013806, OMIM 614564.

Allele frequency attached by ClinVar (database versions not stated): gnomAD exomes below 0.00001.
gnomAD v4.1: 2 of 1,613,596 alleles (0.00012%); highest among the groups gnomAD compares: East Asian, 0.0045%; no homozygotes.

Submissions (3):

Labcorp Genetics (formerly Invitae), Labcorp
Classification: Uncertain significance. Last evaluated: 2024-08-13. Review status: criteria provided, single submitter. Criteria: Invitae Variant Classification Sherloc (09022015). Collection method: clinical testing. Allele origin: germline.
Comment: This sequence change replaces serine, which is neutral and polar, with cysteine, which is neutral and slightly polar, at codon 1481 of the ATR protein (p.Ser1481Cys). This variant is not present in population databases (gnomAD no frequency). This variant has not been reported in the literature in individuals affected with ATR-related conditions. ClinVar contains an entry for this variant (Variation ID: 2562504). An algorithm developed to predict the effect of missense changes on protein structure and function (PolyPhen-2) suggests that this variant is likely to be disruptive. In summary, the available evidence is currently insufficient to determine the role of this variant in disease. Therefore, it has been classified as a Variant of Uncertain Significance.

Fulgent Genetics
Classification: Uncertain significance for Seckel syndrome 1; Familial cutaneous telangiectasia and oropharyngeal predisposition cancer syndrome. Last evaluated: 2024-04-11. Review status: criteria provided, single submitter. Criteria: ACMG Guidelines, 2015. Collection method: clinical testing. Allele origin: germline.

Ambry Genetics
Classification: Uncertain significance for Inborn genetic diseases. Last evaluated: 2023-04-13. Review status: criteria provided, single submitter. Criteria: Ambry Variant Classification Scheme 2023. Collection method: clinical testing. Allele origin: germline.
Comment: The p.S1481C variant (also known as c.4441A>T), located in coding exon 25 of the ATR gene, results from an A to T substitution at nucleotide position 4441. The serine at codon 1481 is replaced by cysteine, an amino acid with dissimilar properties. This amino acid position is conserved. In addition, the in silico prediction for this alteration is inconclusive. Since supporting evidence is limited at this time, the clinical significance of this alteration remains unclear.

NM_001184.4(ATR):c.4441A>T (p.Ser1481Cys)

Gene: ATR (ATR checkpoint kinase; minus strand). Cytogenetic location: 3q23.
Variant type: single nucleotide variant.
Coding change: c.4441A>T on transcript NM_001184.4 (MANE Select); coding-DNA position 4441, A replaced by T.
Protein change: p.Ser1481Cys; replaces serine 1481 with cysteine.
Molecular consequence: missense variant.
Genome position (GRCh38, 1-based): chr3:142,515,457, T>A on the plus strand (A>T on the coding strand, the complement: ATR is on the minus strand). VCF-style: chr3-142515457-T-A. GRCh37 (hg19) VCF-style: chr3-142234299-T-A.
Other names: c.4249A>T, p.Ser1417Cys (NM_001354579.2); short protein forms S1417C, S1481C.
Identifiers: ClinVar variation 2562504 (VCV002562504.5), dbSNP rs2473232223, ClinGen allele CA354798263.
Genomic context (GRCh38, chr3:142,515,457, plus strand): 5'-TTGTAATAAGATAACCTGCCCAAGATGCTGACCATTCTGCAAAGTTACTACCCAATTTAC[T>A]TAAGTAAATTGGCTTCTTTACTCCAGACCAATCGGTTGACTTCTGAGAACTCTTGTATCT-3'
Protein context (NP_001175.2, residues 1471-1491): WSGVKKPIYL[Ser1481Cys]KLGSNFAEWS